The following is an entry in ClinVar:

NM_001142800.2(EYS):c.4510C>G (p.Gln1504Glu)

Gene: EYS (EGF-like photoreceptor maintenance factor; minus strand). Cytogenetic location: 6q12.
Variant type: single nucleotide variant.
Coding change: c.4510C>G on transcript NM_001142800.2 (MANE Select); coding-DNA position 4510, C replaced by G.
Protein change: p.Gln1504Glu; replaces glutamine 1504 with glutamic acid.
Molecular consequence: missense variant.
Genome position (GRCh38, 1-based): chr6:64,591,357, G>C on the plus strand (C>G on the coding strand, the complement: EYS is on the minus strand). VCF-style: chr6-64591357-G-C. GRCh37 (hg19) VCF-style: chr6-65301250-G-C.
Other names: c.4510C>G, p.Gln1504Glu (NM_001292009.2); c.4510C>G (NM_001142800.1); short protein forms Q1504E.
Identifiers: ClinVar variation 2170390 (VCV002170390.7), dbSNP rs1420929225, ClinGen allele CA364783166.

ClinVar aggregate classification (germline): Uncertain significance. Review status: criteria provided, multiple submitters, no conflicts (2 of 4 stars). 3 submissions from 3 submitters: Uncertain significance (3). Last evaluated 2023-02-13.

Conditions:
Inborn genetic diseases. Identifiers: MedGen C0950123, MeSH D030342.

gnomAD v4.1: 4 of 1,551,300 alleles (0.00026%); highest among the groups gnomAD compares: Non-Finnish European, 0.00035%; no homozygotes.

Submissions (3):

Blueprint Genetics
Classification: Uncertain significance. Last evaluated: 2023-02-13. Review status: criteria provided, single submitter. Criteria: ACMG Guidelines, 2015. Collection method: clinical testing. Allele origin: germline.

Ambry Genetics
Classification: Uncertain significance for Inborn genetic diseases. Last evaluated: 2023-02-01. Review status: criteria provided, single submitter. Criteria: Ambry Variant Classification Scheme 2023. Collection method: clinical testing. Allele origin: germline.

Labcorp Genetics (formerly Invitae), Labcorp
Classification: Uncertain significance. Last evaluated: 2022-11-22. Review status: criteria provided, single submitter. Criteria: Invitae Variant Classification Sherloc (09022015). Collection method: clinical testing. Allele origin: germline.
Comment: This variant has not been reported in the literature in individuals affected with EYS-related conditions. This variant is present in population databases (no rsID available, gnomAD 0.002%). This sequence change replaces glutamine, which is neutral and polar, with glutamic acid, which is acidic and polar, at codon 1504 of the EYS protein (p.Gln1504Glu). Advanced modeling of protein sequence and biophysical properties (such as structural, functional, and spatial information, amino acid conservation, physicochemical variation, residue mobility, and thermodynamic stability) has been performed at Invitae for this missense variant, however the output from this modeling did not meet the statistical confidence thresholds required to predict the impact of this variant on EYS protein function. In summary, the available evidence is currently insufficient to determine the role of this variant in disease. Therefore, it has been classified as a Variant of Uncertain Significance.